The following is an entry in ClinVar:

NM_001292063.2(OTOG):c.2026T>C (p.Ser676Pro)

Gene: OTOG (otogelin; plus strand). Cytogenetic location: 11p15.1.
Variant type: single nucleotide variant.
Coding change: c.2026T>C on transcript NM_001292063.2 (MANE Select); coding-DNA position 2026, T replaced by C.
Protein change: p.Ser676Pro; replaces serine 676 with proline.
Molecular consequence: missense variant.
Genome position (GRCh38, 1-based): chr11:17,572,150, T>C. VCF-style: chr11-17572150-T-C. GRCh37 (hg19) VCF-style: chr11-17593697-T-C.
Other names: c.2062T>C, p.Ser688Pro (NM_001277269.2); short protein forms S676P, S688P.
Identifiers: ClinVar variation 1215998 (VCV001215998.6), dbSNP rs564978061, ClinGen allele CA5905562.

ClinVar aggregate classification (germline): Uncertain significance. Review status: criteria provided, multiple submitters, no conflicts (2 of 4 stars). 2 submissions from 2 submitters: Uncertain significance (2). Last evaluated 2026-08-25.

Allele frequency attached by ClinVar (database versions not stated): TOPMed 0.00002; gnomAD 0.00011 and 0.00002; gnomAD exomes 0.00022 and 0.00008; 1000 Genomes Project 0.00040; 1000 Genomes Project 30x 0.00031.
gnomAD v4.1: 316 of 1,550,350 alleles (0.02%); highest among the groups gnomAD compares: East Asian, 0.76%; 1 homozygote.

Submissions (2):

GeneDx
Classification: Uncertain significance. Last evaluated: 2026-08-25. Review status: criteria provided, single submitter. Criteria: GeneDx Variant Classification Process June 2021. Collection method: clinical testing. Allele origin: germline.
Comment: In silico analysis suggests that this missense variant does not alter protein structure/function; Has not been previously published as pathogenic or benign to our knowledge

Labcorp Genetics (formerly Invitae), Labcorp
Classification: Uncertain significance. Last evaluated: 2025-12-12. Review status: criteria provided, single submitter. Criteria: Invitae Variant Classification Sherloc (09022015). Collection method: clinical testing. Allele origin: germline.
Comment: This sequence change replaces serine, which is neutral and polar, with proline, which is neutral and non-polar, at codon 688 of the OTOG protein (p.Ser688Pro). This variant is present in population databases (rs564978061, gnomAD 0.1%). This variant has not been reported in the literature in individuals affected with OTOG-related conditions. ClinVar contains an entry for this variant (Variation ID: 1215998). An algorithm developed to predict the effect of missense changes on protein structure and function (PolyPhen-2) suggests that this variant is likely to be tolerated. In summary, the available evidence is currently insufficient to determine the role of this variant in disease. Therefore, it has been classified as a Variant of Uncertain Significance.